The following is an entry in ClinVar:

ClinVar aggregate classification (germline): Uncertain significance. Review status: criteria provided, multiple submitters, no conflicts (2 of 4 stars). 3 submissions from 3 submitters: Uncertain significance (3). Last evaluated 2025-11-20.

Conditions:
Hereditary cancer-predisposing syndrome. Also called: Tumor predisposition; Neoplastic Syndromes, Hereditary; Hereditary Cancer Syndrome; Hereditary neoplastic syndrome. Identifiers: Orphanet 140162, MedGen C0027672, MeSH D009386, MONDO:0015356.
Ataxia-telangiectasia syndrome (AT). Also called: Cerebello-oculocutaneous telangiectasia; Immunodeficiency with ataxia telangiectasia; ATAXIA-TELANGIECTASIA, COMPLEMENTATION GROUP A; Ataxia-telangiectasia, complementation group D; AT, COMPLEMENTATION GROUP C; ATAXIA-TELANGIECTASIA, FRESNO VARIANT. Identifiers: Orphanet 100, MedGen C0004135, MONDO:0008840, OMIM 208900.

Allele frequency attached by ClinVar (database versions not stated): gnomAD exomes below 0.00001; TOPMed below 0.00001; gnomAD 0.00001.

Submissions (3):

Labcorp Genetics (formerly Invitae), Labcorp
Classification: Uncertain significance for Ataxia-telangiectasia syndrome. Last evaluated: 2025-11-20. Review status: criteria provided, single submitter. Criteria: Invitae Variant Classification Sherloc (09022015). Collection method: clinical testing. Allele origin: germline.
Comment: This sequence change replaces methionine, which is neutral and non-polar, with valine, which is neutral and non-polar, at codon 1916 of the ATM protein (p.Met1916Val). This variant is present in population databases (no rsID available, gnomAD 0.008%). This missense change has been observed in individual(s) with prostate cancer (PMID: 31214711). ClinVar contains an entry for this variant (Variation ID: 478951). Invitae Evidence Modeling of protein sequence and biophysical properties (such as structural, functional, and spatial information, amino acid conservation, physicochemical variation, residue mobility, and thermodynamic stability) indicates that this missense variant is not expected to disrupt ATM protein function with a negative predictive value of 95%. RNA analysis performed to evaluate the impact of this missense change on mRNA splicing indicates it does not significantly alter splicing (internal data). In summary, the available evidence is currently insufficient to determine the role of this variant in disease. Therefore, it has been classified as a Variant of Uncertain Significance.

Ambry Genetics
Classification: Uncertain significance for Hereditary cancer-predisposing syndrome. Last evaluated: 2024-11-07. Review status: criteria provided, single submitter. Criteria: Ambry Variant Classification Scheme 2023. Collection method: clinical testing. Allele origin: germline.
Comment: The p.M1916V variant (also known as c.5746A>G), located in coding exon 37 of the ATM gene, results from an A to G substitution at nucleotide position 5746. The methionine at codon 1916 is replaced by valine, an amino acid with highly similar properties. This alteration has been reported with a carrier frequency of 0.00013 in 7,636 unselected prostate cancer patients and was not detected in male controls of Japanese ancestry (Momozawa Y et al. J Natl Cancer Inst 2020 04;112(4):369-376). This amino acid position is not well conserved in available vertebrate species. In addition, this alteration is predicted to be tolerated by in silico analysis. Based on the available evidence, the clinical significance of this variant remains unclear.

Quest Diagnostics Nichols Institute San Juan Capistrano
Classification: Uncertain significance. Last evaluated: 2023-12-12. Review status: criteria provided, single submitter. Criteria: Quest Diagnostics criteria. Collection method: clinical testing. Allele origin: unknown.

Literature cited by the submitters: PubMed 31214711 (cited by Labcorp Genetics (formerly Invitae), Labcorp and Quest Diagnostics Nichols Institute San Juan Capistrano); PubMed 26388441 (cited by Quest Diagnostics Nichols Institute San Juan Capistrano); PubMed 28775315 (cited by Quest Diagnostics Nichols Institute San Juan Capistrano); PubMed 32256484 (cited by Quest Diagnostics Nichols Institute San Juan Capistrano).

NM_000051.4(ATM):c.5746A>G (p.Met1916Val)

Gene: ATM (ATM serine/threonine kinase; plus strand). Cytogenetic location: 11q22.3.
Variant type: single nucleotide variant.
Coding change: c.5746A>G on transcript NM_000051.4 (MANE Select); coding-DNA position 5746, A replaced by G.
Protein change: p.Met1916Val; replaces methionine 1916 with valine.
Molecular consequence: missense variant.
Genome position (GRCh38, 1-based): chr11:108,307,968, A>G. VCF-style: chr11-108307968-A-G. GRCh37 (hg19) VCF-style: chr11-108178695-A-G.
Other names: c.5746A>G, p.Met1916Val (NM_001351834.2); short protein forms M1916V.
Identifiers: ClinVar variation 478951 (VCV000478951.17), dbSNP rs910274159, ClinGen allele CA228394578.
Genomic context (GRCh38, chr11:108,307,968, plus strand): 5'-TTTTTCCGATGCTGTTTGGATAAAAAATCACAAAGAACAATGCTTGCTGTTGTGGACTAC[A>G]TGAGAAGACAAAAGAGGTAATGTAATGAGTGTTGCTTCTTACGTTTAGGATCTAGAGTGT-3'
Protein context (NP_000042.3, residues 1906-1926): QRTMLAVVDY[Met1916Val]RRQKRPSSGT